The following is an entry in ClinVar:

ClinVar aggregate classification (germline): Conflicting classifications of pathogenicity. Review status: criteria provided, conflicting classifications (1 of 4 stars). 2 submissions from 2 submitters: Uncertain significance (1); Benign (1). Last evaluated 2025-09-09.

Conditions:
Familial adenomatous polyposis 2. Also called: COLORECTAL ADENOMATOUS POLYPOSIS, AUTOSOMAL RECESSIVE; ADENOMAS, MULTIPLE COLORECTAL, AUTOSOMAL RECESSIVE; Adenomas, multiple colorectal; FAP type 2; MUTYH Polyposis; MUTYH-associated polyposis. Identifiers: Orphanet 220460, Orphanet 247798, MedGen C3272841, MONDO:0012041, OMIM 608456.
Hereditary cancer-predisposing syndrome. Also called: Neoplastic Syndromes, Hereditary; Hereditary Cancer Syndrome; Hereditary neoplastic syndrome; Tumor predisposition. Identifiers: Orphanet 140162, MedGen C0027672, MeSH D009386, MONDO:0015356.

Submissions (2):

Ambry Genetics
Classification: Benign for Hereditary cancer-predisposing syndrome. Last evaluated: 2025-09-09. Review status: criteria provided, single submitter. Criteria: Ambry Variant Classification Scheme 2023. Collection method: clinical testing. Allele origin: germline.

Labcorp Genetics (formerly Invitae), Labcorp
Classification: Uncertain significance for Familial adenomatous polyposis 2. Last evaluated: 2020-09-09. Review status: criteria provided, single submitter. Criteria: Invitae Variant Classification Sherloc (09022015). Collection method: clinical testing. Allele origin: germline.
Comment: Algorithms developed to predict the effect of missense changes on protein structure and function output the following: SIFT: "Tolerated"; PolyPhen-2: "Benign"; Align-GVGD: "Class C0". The arginine amino acid residue is found in multiple mammalian species, suggesting that this missense change does not adversely affect protein function. These predictions have not been confirmed by published functional studies and their clinical significance is uncertain. This sequence change replaces glutamine with arginine at codon 512 of the MUTYH protein (p.Gln512Arg). The glutamine residue is moderately conserved and there is a small physicochemical difference between glutamine and arginine. This variant is not present in population databases (ExAC no frequency). This variant has not been reported in the literature in individuals with MUTYH-related conditions. In summary, the available evidence is currently insufficient to determine the role of this variant in disease. Therefore, it has been classified as a Variant of Uncertain Significance.

NM_001048174.2(MUTYH):c.1451A>G (p.Gln484Arg)

Gene: MUTYH (mutY DNA glycosylase; minus strand). Cytogenetic location: 1p34.1.
Variant type: single nucleotide variant.
Coding change: c.1451A>G on transcript NM_001048174.2 (MANE Select); coding-DNA position 1451, A replaced by G.
Protein change: p.Gln484Arg; replaces glutamine 484 with arginine.
Molecular consequence: missense variant. On other transcripts: non-coding transcript variant (2).
Genome position (GRCh38, 1-based): chr1:45,329,421, T>C on the plus strand (A>G on the coding strand, the complement: MUTYH is on the minus strand). VCF-style: chr1-45329421-T-C. GRCh37 (hg19) VCF-style: chr1-45795093-T-C.
Other names: c.1451A>G, p.Gln484Arg (NM_001048171.2, NM_001048173.2, NM_001293195.2); c.1454A>G, p.Gln485Arg (NM_001048172.2); c.1535A>G, p.Gln512Arg (NM_001128425.2); c.1496A>G, p.Gln499Arg (NM_001293190.2); c.1484A>G, p.Gln495Arg (NM_001293191.2); c.1175A>G, p.Gln392Arg (NM_001293192.2, NM_001293196.2); c.1106A>G, p.Gln369Arg (NM_001350650.2, NM_001350651.2); c.1526A>G, p.Gln509Arg (NM_012222.3); short protein forms Q369R, Q392R, Q484R, Q485R, Q495R, Q499R, Q509R, Q512R.
Identifiers: ClinVar variation 1026586 (VCV001026586.12), dbSNP rs1553123054, ClinGen allele CA340131908.
Genomic context (GRCh38, chr1:45,329,421, plus strand): 5'-AAATTATCCAGGACTTGCTGGCCCATGCGGGGCTTTTTCCGACTGCACGGAGAGGACACC[T>C]GGGACCTTTTGGAACCCTGTGAAAAAATGGAAGGAGGGAGGCCTTGTAGTTGGGGGAGGG-3'
Protein context (NP_001041639.1, residues 474-494): PGTCMGSKRS[Gln484Arg]VSSPCSRKKP